The following is an entry in ClinVar:

NM_020937.4(FANCM):c.605C>T (p.Ala202Val)

Gene: FANCM (FA complementation group M; plus strand). Cytogenetic location: 14q21.2.
Variant type: single nucleotide variant.
Coding change: c.605C>T on transcript NM_020937.4 (MANE Select); coding-DNA position 605, C replaced by T.
Protein change: p.Ala202Val; replaces alanine 202 with valine.
Molecular consequence: missense variant.
Genome position (GRCh38, 1-based): chr14:45,137,165, C>T. VCF-style: chr14-45137165-C-T. GRCh37 (hg19) VCF-style: chr14-45606368-C-T.
Other names: c.605C>T, p.Ala202Val (NM_001308133.2, NM_001308134.2); c.605C>T (NM_020937.2); short protein forms A202V.
Identifiers: ClinVar variation 1064062 (VCV001064062.8), dbSNP rs1885579524, ClinGen allele CA389588814.

ClinVar aggregate classification (germline): Uncertain significance. Review status: criteria provided, multiple submitters, no conflicts (2 of 4 stars). 2 submissions from 2 submitters: Uncertain significance (2). Last evaluated 2025-09-02.

Conditions:
Fanconi anemia (FA). Also called: Fanconi's anemia. Identifiers: Orphanet 84, MedGen C0015625, MeSH D005199, MONDO:0019391.

Allele frequency attached by ClinVar (database versions not stated): gnomAD exomes below 0.00001; TOPMed 0.00001.

Submissions (2):

Labcorp Genetics (formerly Invitae), Labcorp
Classification: Uncertain significance for Fanconi anemia. Last evaluated: 2025-09-02. Review status: criteria provided, single submitter. Criteria: Invitae Variant Classification Sherloc (09022015). Collection method: clinical testing. Allele origin: germline.
Comment: This sequence change replaces alanine, which is neutral and non-polar, with valine, which is neutral and non-polar, at codon 202 of the FANCM protein (p.Ala202Val). This variant is not present in population databases (gnomAD no frequency). This variant has not been reported in the literature in individuals affected with FANCM-related conditions. ClinVar contains an entry for this variant (Variation ID: 1064062). An algorithm developed to predict the effect of missense changes on protein structure and function outputs the following: PolyPhen-2: "Benign". The valine amino acid residue is found in multiple mammalian species, which suggests that this missense change does not adversely affect protein function. In summary, the available evidence is currently insufficient to determine the role of this variant in disease. Therefore, it has been classified as a Variant of Uncertain Significance.

GeneDx
Classification: Uncertain significance. Last evaluated: 2025-01-07. Review status: criteria provided, single submitter. Criteria: GeneDx Variant Classification Process June 2021. Collection method: clinical testing. Allele origin: germline. Affected: yes.
Comment: Not observed at significant frequency in large population cohorts (gnomAD); In silico analysis indicates that this missense variant does not alter protein structure/function; Has not been previously published as pathogenic or benign to our knowledge